The following is an entry in ClinVar:

NM_004130.4(GYG1):c.601T>G (p.Phe201Val)

Gene: GYG1 (glycogenin 1; plus strand). Cytogenetic location: 3q24.
Variant type: single nucleotide variant.
Coding change: c.601T>G on transcript NM_004130.4 (MANE Select); coding-DNA position 601, T replaced by G.
Protein change: p.Phe201Val; replaces phenylalanine 201 with valine.
Molecular consequence: missense variant.
Genome position (GRCh38, 1-based): chr3:149,009,395, T>G. VCF-style: chr3-149009395-T-G. GRCh37 (hg19) VCF-style: chr3-148727182-T-G.
Other names: c.601T>G (NM_004130.3); c.601T>G, p.Phe201Val (NM_001184720.2, NM_001184721.2); short protein forms F201V.
Identifiers: ClinVar variation 1449684 (VCV001449684.7), dbSNP rs142318183, ClinGen allele CA2658599.
Genomic context (GRCh38, chr3:149,009,395, plus strand): 5'-AAACACCTGCCGTTTATTTATAACCTAAGCAGCATCTCTATATACTCCTACCTCCCGGCA[T>G]TTAAAGTGTAAGTGCAGATGGTTTAACTATTGTTGGAGATGTTGAGGGCAGAGAATTGGG-3'
Protein context (NP_004121.2, residues 191-211): SISIYSYLPA[Phe201Val]KVFGASAKVV

ClinVar aggregate classification (germline): Uncertain significance. Review status: criteria provided, multiple submitters, no conflicts (2 of 4 stars). 2 submissions from 2 submitters: Uncertain significance (2). Last evaluated 2025-08-14.

Conditions:
Glycogen storage disease XV (GSD15). Also called: GLYCOGENIN DEFICIENCY; GSD XV. Identifiers: Orphanet 263297, MedGen C3150754, MONDO:0013291, OMIM 613507.
Polyglucosan body myopathy type 2. Identifiers: Orphanet 456369, MedGen C4015452, MONDO:0014526, OMIM 616199.
Inborn genetic diseases. Identifiers: MedGen C0950123, MeSH D030342.

Allele frequency attached by ClinVar (database versions not stated): gnomAD exomes 0.00001 and 0.00005; ExAC 0.00007; gnomAD 0.00015 and 0.00016; ESP Exome Variant Server 0.00038.
gnomAD v4.1: 36 of 1,613,516 alleles (0.0022%); highest among the groups gnomAD compares: African/African-American, 0.043%; no homozygotes.

Submissions (2):

Ambry Genetics
Classification: Uncertain significance for Inborn genetic diseases. Last evaluated: 2025-08-14. Review status: criteria provided, single submitter. Criteria: Ambry Variant Classification Scheme 2023. Collection method: clinical testing. Allele origin: germline.

Labcorp Genetics (formerly Invitae), Labcorp
Classification: Uncertain significance for Polyglucosan body myopathy type 2; Glycogen storage disease XV. Last evaluated: 2022-11-01. Review status: criteria provided, single submitter. Criteria: Invitae Variant Classification Sherloc (09022015). Collection method: clinical testing. Allele origin: germline.
Comment: This sequence change replaces phenylalanine, which is neutral and non-polar, with valine, which is neutral and non-polar, at codon 201 of the GYG1 protein (p.Phe201Val). This variant is present in population databases (rs142318183, gnomAD 0.08%). This variant has not been reported in the literature in individuals affected with GYG1-related conditions. ClinVar contains an entry for this variant (Variation ID: 1449684). Advanced modeling of protein sequence and biophysical properties (such as structural, functional, and spatial information, amino acid conservation, physicochemical variation, residue mobility, and thermodynamic stability) performed at Invitae indicates that this missense variant is not expected to disrupt GYG1 protein function. In summary, the available evidence is currently insufficient to determine the role of this variant in disease. Therefore, it has been classified as a Variant of Uncertain Significance.